The following is an entry in ClinVar:

NM_001122630.2(CDKN1C):c.578C>T (p.Pro193Leu)

Gene: CDKN1C (cyclin dependent kinase inhibitor 1C; minus strand). Cytogenetic location: 11p15.4.
Variant type: single nucleotide variant.
Coding change: c.578C>T on transcript NM_001122630.2 (MANE Select); coding-DNA position 578, C replaced by T.
Protein change: p.Pro193Leu; replaces proline 193 with leucine.
Molecular consequence: missense variant. On other transcripts: intron variant (1).
Genome position (GRCh38, 1-based): chr11:2,884,879, G>A on the plus strand (C>T on the coding strand, the complement: CDKN1C is on the minus strand). VCF-style: chr11-2884879-G-A. GRCh37 (hg19) VCF-style: chr11-2906109-G-A.
Other names: c.611C>T, p.Pro204Leu (NM_000076.2, NM_001362474.2); c.578C>T, p.Pro193Leu (NM_001122631.2); c.255+323C>T (NM_001362475.2); short protein forms P193L, P204L.
Identifiers: ClinVar variation 849327 (VCV000849327.9), dbSNP rs2583440, ClinGen allele CA379146318.

ClinVar aggregate classification (germline): Uncertain significance. Review status: criteria provided, multiple submitters, no conflicts (2 of 4 stars). 2 submissions from 2 submitters: Uncertain significance (2). Last evaluated 2025-10-04.

Conditions:
Beckwith-Wiedemann syndrome (BWS). Also called: EMG SYNDROME; Exomphalos macroglossia gigantism syndrome. Identifiers: Orphanet 116, MedGen C0004903, MONDO:0007534, OMIM 130650.

Allele frequency attached by ClinVar (database versions not stated): gnomAD 0.00001; gnomAD exomes 0.00001.
gnomAD v4.1: 8 of 920,506 alleles (0.00087%); highest among the groups gnomAD compares: Non-Finnish European, 0.001%; no homozygotes.

Submissions (2):

Labcorp Genetics (formerly Invitae), Labcorp
Classification: Uncertain significance for Beckwith-Wiedemann syndrome. Last evaluated: 2025-10-04. Review status: criteria provided, single submitter. Criteria: Invitae Variant Classification Sherloc (09022015). Collection method: clinical testing. Allele origin: germline.
Comment: This sequence change replaces proline, which is neutral and non-polar, with leucine, which is neutral and non-polar, at codon 204 of the CDKN1C protein (p.Pro204Leu). The frequency data for this variant in the population databases is considered unreliable, as metrics indicate insufficient coverage at this position in the gnomAD database. This variant has not been reported in the literature in individuals affected with CDKN1C-related conditions. ClinVar contains an entry for this variant (Variation ID: 849327). Invitae Evidence Modeling of protein sequence and biophysical properties (such as structural, functional, and spatial information, amino acid conservation, physicochemical variation, residue mobility, and thermodynamic stability) indicates that this missense variant is not expected to disrupt CDKN1C protein function with a negative predictive value of 80%. In summary, the available evidence is currently insufficient to determine the role of this variant in disease. Therefore, it has been classified as a Variant of Uncertain Significance.

Baylor Genetics
Classification: Uncertain significance for Beckwith-Wiedemann syndrome. Last evaluated: 2023-05-08. Review status: criteria provided, single submitter. Criteria: ACMG Guidelines, 2015. Collection method: clinical testing. Allele origin: unknown.